The following is an entry in ClinVar:

ClinVar aggregate classification (germline): Uncertain significance. Review status: criteria provided, multiple submitters, no conflicts (2 of 4 stars). 2 submissions from 2 submitters: Uncertain significance (2). Last evaluated 2025-02-03.

Conditions:
Hereditary cancer-predisposing syndrome. Also called: Tumor predisposition; Hereditary Cancer Syndrome; Hereditary neoplastic syndrome; Neoplastic Syndromes, Hereditary. Identifiers: Orphanet 140162, MedGen C0027672, MeSH D009386, MONDO:0015356.
Hereditary nonpolyposis colorectal neoplasms. Identifiers: MedGen C0009405, MeSH D003123.

Submissions (2):

Ambry Genetics
Classification: Uncertain significance for Hereditary cancer-predisposing syndrome. Last evaluated: 2025-02-03. Review status: criteria provided, single submitter. Criteria: Ambry Variant Classification Scheme 2023. Collection method: clinical testing. Allele origin: germline.
Comment: The p.F119C variant (also known as c.356T>G), located in coding exon 2 of the MSH6 gene, results from a T to G substitution at nucleotide position 356. The phenylalanine at codon 119 is replaced by cysteine, an amino acid with highly dissimilar properties. This amino acid position is conserved. In addition, this alteration is predicted to be tolerated by in silico analysis. Based on the available evidence, the clinical significance of this variant remains unclear.

Labcorp Genetics (formerly Invitae), Labcorp
Classification: Uncertain significance for Hereditary nonpolyposis colorectal neoplasms. Last evaluated: 2016-11-29. Review status: criteria provided, single submitter. Criteria: Invitae Variant Classification Sherloc (09022015). Collection method: clinical testing. Allele origin: germline.
Comment: In summary, this variant is a novel missense change that is not predicted to affect protein function. There is no indication that it causes disease, but the available evidence is currently insufficient to prove that conclusively. Therefore, it has been classified as a Variant of Uncertain Significance. Algorithms developed to predict the effect of missense changes on protein structure and function output the following: (SIFT: "Tolerated"; PolyPhen-2: "Benign"; Align-GVGD: "Class C0"). The cysteine amino acid residue is found in multiple mammalian species, suggesting that this missense change does not adversely affect protein function. These predictions have not been confirmed by published functional studies. This variant is not present in population databases (ExAC no frequency) and has not been reported in the literature in individuals with an MSH6-related disease. This sequence change replaces phenylalanine with cysteine at codon 119 of the MSH6 protein (p.Phe119Cys). The phenylalanine residue is weakly conserved and there is a large physicochemical difference between phenylalanine and cysteine.

NM_000179.3(MSH6):c.356T>G (p.Phe119Cys)

Gene: MSH6 (mutS homolog 6; plus strand). Cytogenetic location: 2p16.3.
Variant type: single nucleotide variant.
Coding change: c.356T>G on transcript NM_000179.3 (MANE Select); coding-DNA position 356, T replaced by G.
Protein change: p.Phe119Cys; replaces phenylalanine 119 with cysteine.
Molecular consequence: missense variant. On other transcripts: 5 prime UTR variant (2), intron variant (1).
Genome position (GRCh38, 1-based): chr2:47,791,022, T>G. VCF-style: chr2-47791022-T-G. GRCh37 (hg19) VCF-style: chr2-48018161-T-G.
Other names: c.-381T>G (NM_001281493.2); c.-547T>G (NM_001281494.2); c.237+7552T>G (NM_001281492.2); short protein forms F119C.
Identifiers: ClinVar variation 410421 (VCV000410421.11), dbSNP rs1060502893, ClinGen allele CA16611094.